The following is an entry in ClinVar:

ClinVar aggregate classification (germline): Benign/Likely benign. Review status: criteria provided, multiple submitters, no conflicts (2 of 4 stars). 7 submissions from 7 submitters: Benign (1); Likely benign (6). Last evaluated 2025-12-02.

Conditions:
Hereditary cancer-predisposing syndrome. Also called: Tumor predisposition; Hereditary Cancer Syndrome; Neoplastic Syndromes, Hereditary; Hereditary neoplastic syndrome. Identifiers: Orphanet 140162, MedGen C0027672, MeSH D009386, MONDO:0015356.
Peutz-Jeghers syndrome (PJS). Also called: POLYPOSIS, HAMARTOMATOUS INTESTINAL; POLYPS-AND-SPOTS SYNDROME; Peutz-Jeghers polyposis; Periorificial lentiginosis syndrome. Identifiers: Orphanet 2869, MedGen C0031269, MeSH D010580, MONDO:0008280, OMIM 175200.

Allele frequency attached by ClinVar (database versions not stated): gnomAD 0.00001 and 0.00002; TOPMed 0.00001; 1000 Genomes Project 30x 0.00016; 1000 Genomes Project 0.00020.

Submissions (7):

Labcorp Genetics (formerly Invitae), Labcorp
Classification: Likely benign for Peutz-Jeghers syndrome. Last evaluated: 2025-12-02. Review status: criteria provided, single submitter. Criteria: Invitae Variant Classification Sherloc (09022015). Collection method: clinical testing. Allele origin: germline.

Myriad Genetics, Inc.
Classification: Benign for Peutz-Jeghers syndrome. Last evaluated: 2025-03-31. Review status: criteria provided, single submitter. Criteria: Myriad Autosomal Dominant, Autosomal Recessive and X-Linked Classification Criteria (2023). Collection method: clinical testing. Allele origin: unknown.
Comment: This variant is considered benign. This variant is a silent/synonymous amino acid change and it is not expected to impact splicing.

Blueprint Genetics
Classification: Likely benign. Last evaluated: 2024-02-19. Review status: criteria provided, single submitter. Criteria: ACMG Guidelines, 2015. Collection method: clinical testing. Allele origin: germline.

All of Us Research Program, National Institutes of Health
Classification: Likely benign for Peutz-Jeghers syndrome. Last evaluated: 2023-10-30. Review status: criteria provided, single submitter. Criteria: ACMG Guidelines, 2015. Collection method: clinical testing. Allele origin: germline. Inheritance: Autosomal dominant inheritance. Observed: 3 variant alleles, 3 heterozygotes.
Comment: This study involves interpretation of variants in research participants for the purpose of population health screening. Participant phenotype was not available at the time of variant classification. Additional details can be found in publication PMID: 35346344, PMCID: PMC8962531

Color Diagnostics, LLC DBA Color Health
Classification: Likely benign for Hereditary cancer-predisposing syndrome. Last evaluated: 2020-07-13. Review status: criteria provided, single submitter. Criteria: ACMG Guidelines, 2015. Collection method: clinical testing. Allele origin: germline.

Women's Health and Genetics/Laboratory Corporation of America, LabCorp
Classification: Likely benign. Last evaluated: 2020-01-31. Review status: criteria provided, single submitter. Criteria: LabCorp Variant Classification Summary - May 2015. Collection method: clinical testing. Allele origin: germline.

Ambry Genetics
Classification: Likely benign for Hereditary cancer-predisposing syndrome. Last evaluated: 2017-01-12. Review status: criteria provided, single submitter. Criteria: Ambry Variant Classification Scheme 2023. Collection method: clinical testing. Allele origin: germline.

NM_000455.5(STK11):c.1278G>A (p.Arg426=)

Gene: STK11 (serine/threonine kinase 11; plus strand). Cytogenetic location: 19p13.3.
Variant type: single nucleotide variant.
Coding change: c.1278G>A on transcript NM_000455.5 (MANE Select); coding-DNA position 1278, G replaced by A.
Protein change: p.Arg426=; no amino-acid change (arginine 426 retained).
Molecular consequence: synonymous variant.
Genome position (GRCh38, 1-based): chr19:1,226,623, G>A. VCF-style: chr19-1226623-G-A. GRCh37 (hg19) VCF-style: chr19-1226622-G-A.
Identifiers: ClinVar variation 480705 (VCV000480705.21), dbSNP rs201256614, ClinGen allele CA304033778.